The following is an entry in ClinVar:

NM_003565.4(ULK1):c.725C>T (p.Thr242Ile)

Gene: ULK1 (unc-51 like autophagy activating kinase 1; plus strand). Cytogenetic location: 12q24.33.
Variant type: single nucleotide variant.
Coding change: c.725C>T on transcript NM_003565.4 (MANE Select); coding-DNA position 725, C replaced by T.
Protein change: p.Thr242Ile; replaces threonine 242 with isoleucine.
Molecular consequence: missense variant.
Genome position (GRCh38, 1-based): chr12:131,909,833, C>T. VCF-style: chr12-131909833-C-T. GRCh37 (hg19) VCF-style: chr12-132394378-C-T.
Other names: short protein forms T242I.
Identifiers: ClinVar variation 3044869 (VCV003044869.10), dbSNP rs145451295, ClinGen allele CA6882583.

ClinVar aggregate classification (germline): Likely benign. Review status: criteria provided, single submitter (1 of 4 stars). 2 submissions from 2 submitters: Likely benign (1). 1 of the submissions does not count toward it. Last evaluated 2025-07-01.

Conditions:
ULK1-related disorder. Also called: ULK1-related condition.

Allele frequency attached by ClinVar (database versions not stated): 1000 Genomes Project 0.00180; ESP Exome Variant Server 0.00208; 1000 Genomes Project 30x 0.00219.
gnomAD v4.1: 4,818 of 1,611,584 alleles (0.3%); highest among the groups gnomAD compares: Admixed American, 0.4%; 16 homozygotes.

Submissions (2):

CeGaT Center for Human Genetics Tuebingen
Classification: Likely benign. Last evaluated: 2025-07-01. Review status: criteria provided, single submitter. Criteria: CeGaT Center For Human Genetics Tuebingen Variant Classification Criteria Version 2. Collection method: clinical testing. Allele origin: germline. Affected: yes. Observed: 1 variant allele.
Comment: ULK1: BP4, BS2

PreventionGenetics, part of Exact Sciences
Classification: Likely benign for ULK1-related condition. Last evaluated: 2022-02-01. Review status: no assertion criteria provided. Collection method: clinical testing. Allele origin: germline. Not counted in ClinVar's aggregate classification.
Comment: This variant is classified as likely benign based on ACMG/AMP sequence variant interpretation guidelines (Richards et al. 2015 PMID: 25741868, with internal and published modifications).